The following is an entry in ClinVar:

ClinVar aggregate classification (germline): Conflicting classifications of pathogenicity. Review status: criteria provided, conflicting classifications (1 of 4 stars). 5 submissions from 5 submitters: Uncertain significance (2); Benign (1); Likely benign (2). Last evaluated 2026-01-27.

Conditions:
Arginase deficiency. Also called: Arginase 1 Deficiency; ARGININEMIA; ARG1 DEFICIENCY. Identifiers: Orphanet 90, MedGen C0268548, MONDO:0008814, OMIM 207800.

Allele frequency attached by ClinVar (database versions not stated): TOPMed 0.00033.
gnomAD v4.1: 231 of 1,613,960 alleles (0.014%); highest among the groups gnomAD compares: Admixed American, 0.06%; 1 homozygote.

Submissions (5):

Labcorp Genetics (formerly Invitae), Labcorp
Classification: Benign for Arginase deficiency. Last evaluated: 2026-01-27. Review status: criteria provided, single submitter. Criteria: Invitae Variant Classification Sherloc (09022015). Collection method: clinical testing. Allele origin: germline.

Blueprint Genetics
Classification: Likely benign. Last evaluated: 2024-10-30. Review status: criteria provided, single submitter. Criteria: ACMG Guidelines, 2015. Collection method: clinical testing. Allele origin: germline.

GeneDx
Classification: Likely benign. Last evaluated: 2021-05-13. Review status: criteria provided, single submitter. Criteria: GeneDx Variant Classification Process June 2021. Collection method: clinical testing. Allele origin: germline. Affected: yes.

Baylor Genetics
Classification: Uncertain significance for Arginase deficiency. Last evaluated: 2019-06-28. Review status: criteria provided, single submitter. Criteria: ACMG Guidelines, 2015. Collection method: clinical testing. Allele origin: unknown. Affected: yes.
Comment: This variant was determined to be of uncertain significance according to ACMG Guidelines, 2015 [PMID:25741868].

Illumina Laboratory Services, Illumina
Classification: Uncertain significance for Arginase deficiency. Last evaluated: 2018-01-12. Review status: criteria provided, single submitter. Criteria: ICSL Variant Classification Criteria 13 December 2019. Collection method: clinical testing. Allele origin: germline.

NM_000045.4(ARG1):c.75A>G (p.Glu25=)

Genes: ARG1 (arginase 1; plus strand), MED23 (mediator complex subunit 23; minus strand). Cytogenetic location: 6q23.2.
Variant type: single nucleotide variant.
Coding change: c.75A>G on transcript NM_000045.4 (MANE Select); coding-DNA position 75, A replaced by G.
Protein change: p.Glu25=; no amino-acid change (glutamic acid 25 retained).
Molecular consequence: synonymous variant. On other transcripts: intron variant (2).
Genome position (GRCh38, 1-based): chr6:131,576,680, A>G. VCF-style: chr6-131576680-A-G. GRCh37 (hg19) VCF-style: chr6-131897820-A-G.
Other names: c.75A>G, p.Glu25= (NM_001244438.2, NM_001369020.1); c.4078-2385T>C (NM_001270521.2); c.4096-2385T>C (NM_015979.4).
Identifiers: ClinVar variation 355318 (VCV000355318.20), dbSNP rs755973004, ClinGen allele CA3999170.